The following is an entry in ClinVar:

NM_005228.5(EGFR):c.118C>G (p.Gln40Glu)

Gene: EGFR (epidermal growth factor receptor; plus strand). Cytogenetic location: 7p11.2.
Variant type: single nucleotide variant.
Coding change: c.118C>G on transcript NM_005228.5 (MANE Select); coding-DNA position 118, C replaced by G.
Protein change: p.Gln40Glu; replaces glutamine 40 with glutamic acid.
Molecular consequence: missense variant. On other transcripts: 5 prime UTR variant (1), intron variant (1).
Genome position (GRCh38, 1-based): chr7:55,142,315, C>G. VCF-style: chr7-55142315-C-G. GRCh37 (hg19) VCF-style: chr7-55210008-C-G.
Other names: c.118C>G, p.Gln40Glu (NM_001346897.2, NM_001346898.2, NM_001346899.2 and 3 more transcripts); c.-42C>G (NM_001346900.2); c.89-13515C>G (NM_001346941.2); short protein forms Q40E.
Identifiers: ClinVar variation 4247325 (VCV004247325.1).

ClinVar aggregate classification (germline): Uncertain significance (1 of 4 stars; one submission).

Conditions:
Hereditary cancer-predisposing syndrome. Also called: Hereditary Cancer Syndrome; Hereditary neoplastic syndrome; Neoplastic Syndromes, Hereditary; Tumor predisposition. Identifiers: Orphanet 140162, MedGen C0027672, MeSH D009386, MONDO:0015356.

Submission:

Ambry Genetics
Classification: Uncertain significance for Hereditary cancer-predisposing syndrome. Last evaluated: 2025-08-01. Review status: criteria provided, single submitter. Criteria: Ambry Variant Classification Scheme 2023. Collection method: clinical testing. Allele origin: germline.
Comment: The p.Q40E variant (also known as c.118C>G), located in coding exon 2 of the EGFR gene, results from a C to G substitution at nucleotide position 118. The glutamine at codon 40 is replaced by glutamic acid, an amino acid with highly similar properties. This amino acid position is conserved. In addition, the in silico prediction for this alteration is inconclusive. Based on the available evidence, the clinical significance of this variant remains unclear.